The following is an entry in ClinVar:

ClinVar aggregate classification (germline): Uncertain significance. Review status: criteria provided, single submitter (1 of 4 stars). 2 submissions from 2 submitters: Uncertain significance (1). 1 of the submissions does not count toward it. Last evaluated 2022-07-06.

Conditions:
Zellweger spectrum disorders (ZS). Also called: Zellweger Spectrum Disorder; Zellweger Spectrum; Zellweger syndrome; Zellweger Spectrum Disorder (ZSD). Identifiers: Orphanet 912, MedGen C0043459, MONDO:0019609.

Allele frequency attached by ClinVar (database versions not stated): gnomAD exomes below 0.00001; gnomAD 0.00001; TOPMed 0.00003; ESP Exome Variant Server 0.00008.
gnomAD v4.1: 44 of 1,609,520 alleles (0.0027%); highest among the groups gnomAD compares: Non-Finnish European, 0.0036%; no homozygotes.

Submissions (2):

Labcorp Genetics (formerly Invitae), Labcorp
Classification: Uncertain significance for Zellweger spectrum disorders. Last evaluated: 2022-07-06. Review status: criteria provided, single submitter. Criteria: Invitae Variant Classification Sherloc (09022015). Collection method: clinical testing. Allele origin: germline.
Comment: This sequence change replaces isoleucine, which is neutral and non-polar, with phenylalanine, which is neutral and non-polar, at codon 915 of the PEX1 protein (p.Ile915Phe). This variant is present in population databases (rs376029287, gnomAD 0.0009%). This variant has not been reported in the literature in individuals affected with PEX1-related conditions. ClinVar contains an entry for this variant (Variation ID: 972293). Algorithms developed to predict the effect of missense changes on protein structure and function are either unavailable or do not agree on the potential impact of this missense change (SIFT: "Deleterious"; PolyPhen-2: "Probably Damaging"; Align-GVGD: "Class C15"). In summary, the available evidence is currently insufficient to determine the role of this variant in disease. Therefore, it has been classified as a Variant of Uncertain Significance.

Natera, Inc.
Classification: Uncertain significance for Zellweger syndrome. Last evaluated: 2020-02-28. Review status: no assertion criteria provided. Collection method: clinical testing. Allele origin: germline. Not counted in ClinVar's aggregate classification.

NM_000466.3(PEX1):c.2743A>T (p.Ile915Phe)

Gene: PEX1 (peroxisomal biogenesis factor 1; minus strand). Cytogenetic location: 7q21.2.
Variant type: single nucleotide variant.
Coding change: c.2743A>T on transcript NM_000466.3 (MANE Select); coding-DNA position 2743, A replaced by T.
Protein change: p.Ile915Phe; replaces isoleucine 915 with phenylalanine.
Molecular consequence: missense variant.
Genome position (GRCh38, 1-based): chr7:92,496,753, T>A on the plus strand (A>T on the coding strand, the complement: PEX1 is on the minus strand). VCF-style: chr7-92496753-T-A. GRCh37 (hg19) VCF-style: chr7-92126067-T-A.
Other names: c.2119A>T, p.Ile707Phe (NM_001282678.2); c.2572A>T, p.Ile858Phe (NM_001282677.2); short protein forms I707F, I858F, I915F.
Identifiers: ClinVar variation 972293 (VCV000972293.11), dbSNP rs376029287, ClinGen allele CA161957039.